The following is an entry in ClinVar:

ClinVar aggregate classification (germline): Uncertain significance (1 of 4 stars; one submission).

Conditions:
2-aminoadipic 2-oxoadipic aciduria (AAKAD). Also called: ALPHA-AMINOADIPIC AND ALPHA-KETOADIPIC ACIDURIA; Aminoadipic aciduria. Identifiers: Orphanet 79154, MedGen C1859817, MONDO:0008774, OMIM 204750.

Allele frequency attached by ClinVar (database versions not stated): TOPMed below 0.00001; gnomAD 0.00001.
gnomAD v4.1: 3 of 1,612,732 alleles (0.00019%); highest among the groups gnomAD compares: African/African-American, 0.0027%; no homozygotes.

Submission:

Labcorp Genetics (formerly Invitae), Labcorp
Classification: Uncertain significance for 2-aminoadipic 2-oxoadipic aciduria. Last evaluated: 2023-03-13. Review status: criteria provided, single submitter. Criteria: Invitae Variant Classification Sherloc (09022015). Collection method: clinical testing. Allele origin: germline.
Comment: This variant is present in population databases (no rsID available, gnomAD 0.01%). In summary, the available evidence is currently insufficient to determine the role of this variant in disease. Therefore, it has been classified as a Variant of Uncertain Significance. An algorithm developed to predict the effect of missense changes on protein structure and function (PolyPhen-2) suggests that this variant is likely to be tolerated. ClinVar contains an entry for this variant (Variation ID: 2416425). This variant has not been reported in the literature in individuals affected with DHTKD1-related conditions. This sequence change replaces proline, which is neutral and non-polar, with serine, which is neutral and polar, at codon 18 of the DHTKD1 protein (p.Pro18Ser).

NM_018706.7(DHTKD1):c.52C>T (p.Pro18Ser)

Gene: DHTKD1 (dehydrogenase E1 and transketolase domain containing 1; plus strand). Cytogenetic location: 10p14.
Variant type: single nucleotide variant.
Coding change: c.52C>T on transcript NM_018706.7 (MANE Select); coding-DNA position 52, C replaced by T.
Protein change: p.Pro18Ser; replaces proline 18 with serine.
Molecular consequence: missense variant.
Genome position (GRCh38, 1-based): chr10:12,069,085, C>T. VCF-style: chr10-12069085-C-T. GRCh37 (hg19) VCF-style: chr10-12111084-C-T.
Other names: short protein forms P18S.
Identifiers: ClinVar variation 2416425 (VCV002416425.8), dbSNP rs1340734868, ClinGen allele CA376011339.